The following is an entry in ClinVar:

ClinVar aggregate classification (germline): Uncertain significance (1 of 4 stars; one submission).

Submission:

Ambry Genetics
Classification: Uncertain significance. Last evaluated: 2025-03-14. Review status: criteria provided, single submitter. Criteria: Ambry Variant Classification Scheme 2023. Collection method: clinical testing. Allele origin: germline.
Comment: The p.T1439P variant (also known as c.4315A>C), located in coding exon 12 of the MLH3 gene, results from an A to C substitution at nucleotide position 4315. The threonine at codon 1439 is replaced by proline, an amino acid with highly similar properties. This amino acid position is conserved. In addition, this alteration is predicted to be tolerated by in silico analysis. Based on the available evidence, the clinical significance of this variant remains unclear.

NM_001040108.2(MLH3):c.4315A>C (p.Thr1439Pro)

Gene: MLH3 (mutL homolog 3; minus strand). Cytogenetic location: 14q24.3.
Variant type: single nucleotide variant.
Coding change: c.4315A>C on transcript NM_001040108.2 (MANE Select); coding-DNA position 4315, A replaced by C.
Protein change: p.Thr1439Pro; replaces threonine 1439 with proline.
Molecular consequence: missense variant.
Genome position (GRCh38, 1-based): chr14:75,017,129, T>G on the plus strand (A>C on the coding strand, the complement: MLH3 is on the minus strand). VCF-style: chr14-75017129-T-G. GRCh37 (hg19) VCF-style: chr14-75483832-T-G.
Other names: c.4243A>C, p.Thr1415Pro (NM_014381.3); short protein forms T1415P, T1439P.
Identifiers: ClinVar variation 3873548 (VCV003873548.1).